The following is an entry in ClinVar:

ClinVar aggregate classification (germline): Pathogenic. Review status: reviewed by expert panel (3 of 4 stars). 13 submissions from 13 submitters: Pathogenic (1). 12 of the submissions do not count toward it. Last evaluated 2017-03-17.

Conditions:
CFTR-related disorder (CFTR-RD). Also called: CFTR-related condition; CFTR-related disorders. Identifiers: MedGen C5924204, MONDO:7770004.
Cystic fibrosis (CF). Also called: MUCOVISCIDOSIS. Identifiers: Orphanet 586, MedGen C0010674, MONDO:0009061, OMIM 219700. Disease mechanism: loss of function.
Bronchiectasis with or without elevated sweat chloride 1 (BESC1). Also called: Cystic Fibrosis-Like Syndrome. Identifiers: Orphanet 60033, MedGen C2749757, MONDO:0008887, OMIM 211400.

Allele frequency attached by ClinVar (database versions not stated): gnomAD exomes 0.00001 and below 0.00001; ExAC 0.00001; gnomAD 0.00001; TOPMed 0.00002.
gnomAD v4.1: 5 of 1,612,358 alleles (0.00031%); highest among the groups gnomAD compares: African/African-American, 0.0053%; no homozygotes.

Submissions (13):

CFTR2
Classification: Pathogenic for Cystic fibrosis. Last evaluated: 2017-03-17. Review status: reviewed by expert panel. Criteria: Sosnay PR et al. (Nat Genet 2013). Collection method: research. Allele origin: germline. Affected: yes. Study: CFTR2.

PreventionGenetics, part of Exact Sciences
Classification: Pathogenic for CFTR-related condition. Last evaluated: 2025-12-30. Review status: criteria provided, single submitter. Criteria: ACMG Guidelines, 2015. Collection method: clinical testing. Allele origin: germline. Not counted in ClinVar's aggregate classification.
Comment: The CFTR c.292C>T variant is predicted to result in premature protein termination (p.Gln98*). This variant has been reported in multiple individuals with cystic fibrosis (Supplementary Table 2, Sosnay et al. 2013. PubMed ID: 23974870; Supplemental Table S3, Beauchamp et al. 2019. PubMed ID: 31036917) and is interpreted as pathogenic by the majority of submitters to ClinVar, including the CFTR2 expert panel (Variation ID: 53600). This variant is reported in 0.012% of alleles in individuals of African descent in gnomAD. Nonsense variants in CFTR are expected to be pathogenic. This variant is interpreted as pathogenic.

Labcorp Genetics (formerly Invitae), Labcorp
Classification: Pathogenic for Cystic fibrosis. Last evaluated: 2025-09-28. Review status: criteria provided, single submitter. Criteria: Invitae Variant Classification Sherloc (09022015). Collection method: clinical testing. Allele origin: germline. Not counted in ClinVar's aggregate classification.
Comment: This sequence change creates a premature translational stop signal (p.Gln98*) in the CFTR gene. It is expected to result in an absent or disrupted protein product. Loss-of-function variants in CFTR are known to be pathogenic (PMID: 1695717, 7691345, 9725922). This variant is present in population databases (rs397508461, gnomAD 0.01%). This premature translational stop signal has been observed in individual(s) with clinical features of cystic fibrosis (PMID: 9482579, 23974870). ClinVar contains an entry for this variant (Variation ID: 53600). For these reasons, this variant has been classified as Pathogenic.

Natera, Inc.
Classification: Pathogenic for CFTR-related disorders. Last evaluated: 2024-08-01. Review status: criteria provided, single submitter. Criteria: Natera Variant Classification Schema (03/2026). Collection method: clinical testing. Allele origin: germline. Not counted in ClinVar's aggregate classification.
Comment: The c.292C>T variant in CFTR is a nonsense variant predicted to introduce a stop codon at amino acid 98. This variant is expected to result in nonsense mediated decay, truncation, or a dysfunctional protein product. This variant is rare in the general population with a frequency below the threshold expected for the associated phenotype(s). This variant has been observed in one or more individuals affected with the associated recessive disease, as either homozygous or compound heterozygous with a second variant (PMID: 9482579, 12357328). Given the available evidence, this variant is classified as Pathogenic.

Baylor Genetics
Classification: Pathogenic for Bronchiectasis with or without elevated sweat chloride 1. Last evaluated: 2023-05-15. Review status: criteria provided, single submitter. Criteria: ACMG Guidelines, 2015. Collection method: clinical testing. Allele origin: unknown. Not counted in ClinVar's aggregate classification.

Ambry Genetics
Classification: Pathogenic for Cystic fibrosis. Last evaluated: 2023-04-18. Review status: criteria provided, single submitter. Criteria: Ambry Variant Classification Scheme 2023. Collection method: clinical testing. Allele origin: germline. Not counted in ClinVar's aggregate classification.
Comment: The p.Q98* pathogenic mutation (also known as c.292C>T), located in coding exon 4 of the CFTR gene, results from a C to T substitution at nucleotide position 292. This changes the amino acid from a glutamine to a stop codon within coding exon 4. This alteration has been reported in homozygous state in three Pakistani individuals with cystic fibrosis (Malone G et al. Hum. Mutat., 1998;11:152-7; Sosnay PR et al. Nat. Genet., 2013 Oct;45:1160-7). This variant has been reported in multiple individuals with an elevated sweat chloride level in The Clinical and Functional TRanslation of CFTR (CFTR2) database (available at CFTR2. Accessed 04/18/2023). This variant is considered to be rare based on population cohorts in the Genome Aggregation Database (gnomAD). In addition to the clinical data presented in the literature, this alteration is expected to result in loss of function by premature protein truncation or nonsense-mediated mRNA decay. As such, this alteration is interpreted as a disease-causing mutation.

Institute of Human Genetics, University of Leipzig Medical Center
Classification: Pathogenic for Cystic fibrosis. Last evaluated: 2022-09-05. Review status: criteria provided, single submitter. Criteria: ACMG Guidelines, 2015. Collection method: curation. Allele origin: unknown. Affected: yes. Observed: 1 variant allele. Not counted in ClinVar's aggregate classification.
Comment: The variant was classified in the context of a project re-classifying variants in the German Cystic Fibrosis Registry (Muko.e.V.). Criteria applied: PVS1, PM3_STR, PM2_SUP

Blueprint Genetics
Classification: Pathogenic for CFTR-related disorders. Last evaluated: 2020-01-13. Review status: criteria provided, single submitter. Criteria: ACMG Guidelines, 2015. Collection method: clinical testing. Allele origin: germline. Affected: yes. Observed: 1 variant allele. Not counted in ClinVar's aggregate classification.

Women's Health and Genetics/Laboratory Corporation of America, LabCorp
Classification: Pathogenic. Last evaluated: 2018-12-24. Review status: criteria provided, single submitter. Criteria: LabCorp Variant Classification Summary - May 2015. Collection method: clinical testing. Allele origin: germline. Not counted in ClinVar's aggregate classification.
Comment: Variant summary: CFTR c.292C>T (p.Gln98X) results in a premature termination codon, predicted to cause a truncation of the encoded protein or absence of the protein due to nonsense mediated decay, which are commonly known mechanisms for disease. The variant allele was found at a frequency of 1.1e-05 in 276762 control chromosomes (gnomAD). c.292C>T has been reported in the literature in multiple individuals affected with Cystic Fibrosis, including a report of homozygous occurrences (Sosnay_2013, Wong_2004, Malone_1998). These data indicate that the variant is very likely to be associated with disease. The variant is also reported in 17 patients in the reputable CFTR2 database where it is mentioned that it "causes CF when combined with another CF-causing variant" and it also "causes pancreatic insufficiency when combined with another variant that causes pancreatic insufficiency." Based on the evidence outlined above, the variant was classified as pathogenic.

Mendelics
Classification: Pathogenic for Cystic fibrosis. Last evaluated: 2018-11-05. Review status: criteria provided, single submitter. Criteria: Mendelics Assertion Criteria 2017. Collection method: clinical testing. Allele origin: unknown. Affected: yes. Not counted in ClinVar's aggregate classification.

Clinical Genetics Service, Universitary Hospital 12 de Octubre
Classification: Pathogenic for Cystic fibrosis. Review status: criteria provided, single submitter. Criteria: ACMG Guidelines, 2015. Collection method: clinical testing. Allele origin: paternal. Affected: yes. Not counted in ClinVar's aggregate classification.

Kariminejad - Najmabadi Pathology & Genetics Center
Classification: Pathogenic for Cystic fibrosis. Review status: criteria provided, single submitter. Criteria: ACMG Guidelines, 2015. Collection method: clinical testing. Allele origin: germline. Affected: no. Not counted in ClinVar's aggregate classification.

Counsyl
Classification: Likely pathogenic for Cystic fibrosis. Last evaluated: 2014-08-29. Review status: no assertion criteria provided. Collection method: literature only. Allele origin: unknown. Inheritance: Autosomal recessive inheritance. Not counted in ClinVar's aggregate classification.

Literature cited by the submitters: PubMed 1695717 (cited by Labcorp Genetics (formerly Invitae), Labcorp); PubMed 7691345 (cited by Labcorp Genetics (formerly Invitae), Labcorp); PubMed 9725922 (cited by Labcorp Genetics (formerly Invitae), Labcorp); PubMed 9482579 (cited by 5 submitters); PubMed 23974870 (cited by 4 submitters); PubMed 12357328 (cited by Natera, Inc. and Counsyl); PubMed 15365999 (cited by Women's Health and Genetics/Laboratory Corporation of America, LabCorp and Counsyl); PubMed 15300780 (cited by Women's Health and Genetics/Laboratory Corporation of America, LabCorp); PubMed 12007216 (cited by Counsyl).

NM_000492.4(CFTR):c.292C>T (p.Gln98Ter)

Gene: CFTR (CF transmembrane conductance regulator; plus strand). Cytogenetic location: 7q31.2.
Variant type: single nucleotide variant.
Coding change: c.292C>T on transcript NM_000492.4 (MANE Select); coding-DNA position 292, C replaced by T.
Protein change: p.Gln98Ter; replaces glutamine 98 with a stop codon.
Molecular consequence: nonsense.
Genome position (GRCh38, 1-based): chr7:117,530,917, C>T. VCF-style: chr7-117530917-C-T. GRCh37 (hg19) VCF-style: chr7-117170971-C-T.
Other names: short protein forms Q98*.
Identifiers: ClinVar variation 53600 (VCV000053600.24), dbSNP rs397508461, ClinGen allele CA345317.